The following is an entry in ClinVar:

NM_014396.4(VPS41):c.1391T>C (p.Ile464Thr)

Gene: VPS41 (VPS41 subunit of HOPS complex; minus strand). Cytogenetic location: 7p14.1.
Variant type: single nucleotide variant.
Coding change: c.1391T>C on transcript NM_014396.4 (MANE Select); coding-DNA position 1391, T replaced by C.
Protein change: p.Ile464Thr; replaces isoleucine 464 with threonine.
Molecular consequence: missense variant.
Genome position (GRCh38, 1-based): chr7:38,763,486, A>G on the plus strand (T>C on the coding strand, the complement: VPS41 is on the minus strand). VCF-style: chr7-38763486-A-G. GRCh37 (hg19) VCF-style: chr7-38803086-A-G.
Other names: c.1316T>C, p.Ile439Thr (NM_080631.4); short protein forms I439T, I464T.
Identifiers: ClinVar variation 2364905 (VCV002364905.10), dbSNP rs148532572, ClinGen allele CA4226799.

ClinVar aggregate classification (germline): Conflicting classifications of pathogenicity. Review status: criteria provided, conflicting classifications (1 of 4 stars). 2 submissions from 2 submitters: Uncertain significance (1); Likely benign (1). Last evaluated 2026-07-01.

Conditions:
Inborn genetic diseases. Identifiers: MedGen C0950123, MeSH D030342.

Allele frequency attached by ClinVar (database versions not stated): gnomAD exomes 0.00054; TOPMed 0.00065; gnomAD 0.00072; ExAC 0.00078; ESP Exome Variant Server 0.00092.
gnomAD v4.1: 885 of 1,608,236 alleles (0.055%); highest among the groups gnomAD compares: Non-Finnish European, 0.058%; 2 homozygotes.

Submissions (2):

CeGaT Center for Human Genetics Tuebingen
Classification: Likely benign. Last evaluated: 2026-07-01. Review status: criteria provided, single submitter. Criteria: CeGaT Center For Human Genetics Tuebingen Variant Classification Criteria Version 2. Collection method: clinical testing. Allele origin: germline. Affected: yes. Observed: 2 variant alleles.
Comment: VPS41: BS2

Ambry Genetics
Classification: Uncertain significance for Inborn genetic diseases. Last evaluated: 2021-11-16. Review status: criteria provided, single submitter. Criteria: Ambry Variant Classification Scheme 2023. Collection method: clinical testing. Allele origin: germline.